The following is an entry in ClinVar:

ClinVar aggregate classification (germline): Likely pathogenic (1 of 4 stars; one submission).

Conditions:
Cold-induced sweating syndrome 1 (CISS1). Also called: MUSCLE CONTRACTIONS, TETANOFORM, WITH CHARACTERISTIC FACE, CAMPTODACTYLY, HYPERTHERMIA, AND SUDDEN DEATH; Crisponi syndrome; CRISPONI/COLD-INDUCED SWEATING SYNDROME 1; CRLF1-Related Cold-Induced Sweating Syndrome including Crisponi Syndrome. Identifiers: Orphanet 1545, Orphanet 157820, MedGen C1848947, MONDO:0010091, OMIM 272430.

Submission:

Neuberg Centre For Genomic Medicine, NCGM
Classification: Likely pathogenic for Cold-induced sweating syndrome 1. Review status: criteria provided, single submitter. Criteria: ACMG Guidelines, 2015. Collection method: clinical testing. Allele origin: germline. Inheritance: Autosomal recessive inheritance. Affected: yes.
Comment: The frameshift variant c.828_831del (p.Tyr276Ter) in the CRLF1 gene has not been reported previously as a pathogenic variant nor as a benign variant, to our knowledge. The variant is absent in the gnomAD Exomes. This variant is predicted to cause loss of normal protein function through protein truncation. Loss of function variants have been previously reported to be disease-causing (Isik et al., 2019). For these reasons, this variant has been classified as Likely Pathogenic

NM_004750.5(CRLF1):c.828_831del (p.Arg275_Tyr276insTer)

Genes: CRLF1 (cytokine receptor like factor 1; minus strand), LOC112543470 (Sharpr-MPRA regulatory region 11645; plus strand). Cytogenetic location: 19p13.11.
Variant type: Deletion.
Coding change: c.828_831del on transcript NM_004750.5 (MANE Select); coding-DNA positions 828 to 831, 4 bases deleted (CCGA; older notation c.828_831delCCGA).
Protein change: p.Arg275_Tyr276insTer.
Molecular consequence: nonsense.
Genome position (GRCh38, 1-based): chr19:18,596,916-18,596,919, TCGG deleted on the plus strand (CCGA on the coding strand, the reverse complement: CRLF1 is on the minus strand); deleting any 4 consecutive bases within chr19:18,596,916-18,596,920 gives the same sequence; the c. name uses the placement nearest the transcript's 3' end. VCF-style (leftmost placement, unchanged base first): chr19-18596915-CTCGG-C. GRCh37 (hg19) VCF-style: chr19-18707725-CTCGG-C.
Identifiers: ClinVar variation 3362860 (VCV003362860.3).